The following is an entry in ClinVar:

ClinVar aggregate classification (germline): Likely pathogenic. Review status: criteria provided, multiple submitters, no conflicts (2 of 4 stars). 2 submissions from 2 submitters: Likely pathogenic (2). Last evaluated 2025-08-05.

Conditions:
Marfan syndrome (MFS). Also called: MARFAN SYNDROME, TYPE I; Marfan syndrome type 1; Marfan's syndrome; Marfan syndrome, classic; FBN1-Related Marfan Syndrome. Identifiers: Orphanet 284963, Orphanet 558, MedGen C0024796, MONDO:0007947, OMIM 154700.
Familial thoracic aortic aneurysm and aortic dissection (TAAD). Also called: Thoracic aortic aneurysms and dissections. Identifiers: Orphanet 91387, MedGen C4707243, MONDO:0019625.

Submissions (2):

Ambry Genetics
Classification: Likely pathogenic for Familial thoracic aortic aneurysm and aortic dissection. Last evaluated: 2025-08-05. Review status: criteria provided, single submitter. Criteria: Ambry Variant Classification Scheme 2023. Collection method: clinical testing. Allele origin: germline.
Comment: The p.C2348Y variant (also known as c.7043G>A), located in coding exon 57 of the FBN1 gene, results from a G to A substitution at nucleotide position 7043. The cysteine at codon 2348 is replaced by tyrosine, an amino acid with highly dissimilar properties. This variant was reported in individual(s) with features consistent with Marfan syndrome and related fibrillinopathies (Ambry internal data). The majority of FBN1 mutations identified to date have involved the substitution or generation of cysteine residues within cbEGF domains (Vollbrandt T et al. J Biol Chem. 2004;279(31):32924-32931). Internal structural analysis indicates this alteration eliminates a disulfide bond critical for the structural integrity of the TB7 domain (Ambry internal data). This amino acid position is highly conserved in available vertebrate species. In addition, this alteration is predicted to be deleterious by in silico analysis. This variant is considered to be rare based on population cohorts in the Genome Aggregation Database (gnomAD). Based on the majority of available evidence to date, this variant is likely to be pathogenic.

Labcorp Genetics (formerly Invitae), Labcorp
Classification: Likely pathogenic for Marfan syndrome; Familial thoracic aortic aneurysm and aortic dissection. Last evaluated: 2024-04-25. Review status: criteria provided, single submitter. Criteria: Invitae Variant Classification Sherloc (09022015). Collection method: clinical testing. Allele origin: germline.
Comment: This sequence change replaces cysteine, which is neutral and slightly polar, with tyrosine, which is neutral and polar, at codon 2348 of the FBN1 protein (p.Cys2348Tyr). This variant is not present in population databases (gnomAD no frequency). This missense change has been observed in individual(s) with clinical features of FBN1-related conditions (Invitae). Advanced modeling of protein sequence and biophysical properties (such as structural, functional, and spatial information, amino acid conservation, physicochemical variation, residue mobility, and thermodynamic stability) performed at Invitae indicates that this missense variant is expected to disrupt FBN1 protein function with a positive predictive value of 95%. This variant affects a cysteine residue in the EGF-like, TGFBP or hybrid motif domains of FBN1. Cysteine residues are believed to be involved in intramolecular disulfide bridges and have been shown to be important for FBN1 protein structure (PMID: 16905551, 19349279). In addition, missense substitutions affecting cysteine residues within these domains are significantly overrepresented among patients with Marfan syndrome (PMID: 16571647, 17701892). In summary, the currently available evidence indicates that the variant is pathogenic, but additional data are needed to prove that conclusively. Therefore, this variant has been classified as Likely Pathogenic.

Literature cited by the submitters: PubMed 16905551 (cited by Labcorp Genetics (formerly Invitae), Labcorp); PubMed 19349279 (cited by Labcorp Genetics (formerly Invitae), Labcorp); PubMed 16571647 (cited by Labcorp Genetics (formerly Invitae), Labcorp); PubMed 17701892 (cited by Labcorp Genetics (formerly Invitae), Labcorp).

NM_000138.5(FBN1):c.7043G>A (p.Cys2348Tyr)

Gene: FBN1 (fibrillin 1; minus strand). Cytogenetic location: 15q21.1.
Variant type: single nucleotide variant.
Coding change: c.7043G>A on transcript NM_000138.5 (MANE Select); coding-DNA position 7043, G replaced by A.
Protein change: p.Cys2348Tyr; replaces cysteine 2348 with tyrosine.
Molecular consequence: missense variant.
Genome position (GRCh38, 1-based): chr15:48,427,728, C>T on the plus strand (G>A on the coding strand, the complement: FBN1 is on the minus strand). VCF-style: chr15-48427728-C-T. GRCh37 (hg19) VCF-style: chr15-48719925-C-T.
Other names: c.7043G>A, p.Cys2348Tyr (NM_001406716.1); short protein forms C2348Y.
Identifiers: ClinVar variation 3754045 (VCV003754045.3).
Genomic context (GRCh38, chr15:48,427,728, plus strand): 5'-CCTCCGTCACAGCAGCATTCCGATTTGGTGACGGGGTTCCTGTTGCTGGAGCCGATCTGA[C>T]ACATGTTTTGTAGCACCTCTGTGAAGCAGTACCCTTCCCGATTGTCTGGAAGGGACATTA-3'
Protein context (NP_000129.3, residues 2338-2358): YCFTEVLQNM[Cys2348Tyr]QIGSSNRNPV